The following is an entry in ClinVar:

ClinVar aggregate classification (germline): not provided (0 of 4 stars; one submission).

Conditions:
Carcinoma of colon (CRC). Also called: Colonic carcinoma; Colon carcinoma. Identifiers: MedGen C0699790, MONDO:0002032.

Submission:

Immunobiology Lab; University of Kashmir
No classification provided. Condition: Carcinoma of colon. Review status: no classification provided. Collection method: not provided. Allele origin: somatic.
ClinVar note: Converted during submission from untested to not provided.

NM_002019.4(FLT1):c.2708-39G>C

Gene: FLT1 (fms related receptor tyrosine kinase 1; minus strand). Cytogenetic location: 13q12.3.
Variant type: single nucleotide variant.
Coding change: c.2708-39G>C on transcript NM_002019.4 (MANE Select); 39 bases into the intron before coding-DNA position 2708, G replaced by C.
Molecular consequence: intron variant.
Genome position (GRCh38, 1-based): chr13:28,327,589, C>G on the plus strand (G>C on the coding strand, the complement: FLT1 is on the minus strand). VCF-style: chr13-28327589-C-G. GRCh37 (hg19) VCF-style: chr13-28901726-C-G.
Identifiers: ClinVar variation 162076 (VCV000162076.2), dbSNP rs537105078, ClinGen allele CA251197.
Genomic context (GRCh38, chr13:28,327,589, plus strand): 5'-TCAACAATCACCATCAGAGGCCCTGCAGCCAAAACAGCACATGCTCATGCTCAGCCACAC[C>G]AAGCCAGTCAGCCATTTGCCAGCCTTCAGCCTGCCTGAGAAACCTCAAACCAACCAGCCT-3'